The following is an entry in ClinVar:

NM_177438.3(DICER1):c.2652T>C (p.Val884=)

Gene: DICER1 (dicer 1, ribonuclease III; minus strand). Cytogenetic location: 14q32.13.
Variant type: single nucleotide variant.
Coding change: c.2652T>C on transcript NM_177438.3 (MANE Select); coding-DNA position 2652, T replaced by C.
Protein change: p.Val884=; no amino-acid change (valine 884 retained).
Molecular consequence: synonymous variant. On other transcripts: non-coding transcript variant (6).
Genome position (GRCh38, 1-based): chr14:95,107,760, A>G on the plus strand (T>C on the coding strand, the complement: DICER1 is on the minus strand). VCF-style: chr14-95107760-A-G. GRCh37 (hg19) VCF-style: chr14-95574097-A-G.
Other names: c.2652T>C, p.Val884= (NM_001195573.1, NM_001271282.3, NM_001291628.2 and 12 more transcripts); c.2370T>C, p.Val790= (NM_001395686.1); c.2247T>C, p.Val749= (NM_001395687.1, NM_001395688.1, NM_001395689.1 and 2 more transcripts); c.2085T>C, p.Val695= (NM_001395691.1); c.969T>C, p.Val323= (NM_001395697.1).
Identifiers: ClinVar variation 4875897 (VCV004875897.1).

ClinVar aggregate classification (germline): Benign (1 of 4 stars; one submission).

Conditions:
DICER1-related tumor predisposition. Also called: DICER1 syndrome; DICER1-related pleuropulmonary blastoma cancer predisposition syndrome. Identifiers: Orphanet 284343, MedGen C3839822, MONDO:0100216.

Submission:

Myriad Genetics, Inc.
Classification: Benign for DICER1-related tumor predisposition. Last evaluated: 2026-04-16. Review status: criteria provided, single submitter. Criteria: Myriad Autosomal Dominant, Autosomal Recessive and X-Linked Classification Criteria (2023). Collection method: clinical testing. Allele origin: unknown.
Comment: This variant is considered benign. This variant is a silent/synonymous amino acid change and it is not expected to impact splicing.